The following is an entry in ClinVar:

NM_024675.3:c.2454_2455insALU

Gene: PALB2 (partner and localizer of BRCA2; minus strand).
Variant type: Insertion.
Identifiers: ClinVar variation 3228010 (VCV003228010.1).

ClinVar aggregate classification (germline): Likely pathogenic (1 of 4 stars; one submission).

Conditions:
Hereditary cancer-predisposing syndrome. Also called: Neoplastic Syndromes, Hereditary; Tumor predisposition; Hereditary neoplastic syndrome; Hereditary Cancer Syndrome. Identifiers: Orphanet 140162, MedGen C0027672, MeSH D009386, MONDO:0015356.

Submission:

Ambry Genetics
Classification: Likely pathogenic for Hereditary cancer-predisposing syndrome. Last evaluated: 2024-02-21. Review status: criteria provided, single submitter. Criteria: Ambry Variant Classification Scheme 2023. Collection method: clinical testing. Allele origin: germline.
Comment: The c.2454_2455insAlu likely pathogenic variant results from an Alu element insertion within coding exon 5 of the PALB2 gene. Alu element insertions have been shown to contribute to pathogenicity by either disrupting a coding region or a splice signal (Belancio VP et al. Semin Cancer Biol. 2010 Aug;20(4):200-10; Deininger P. Genome Biol. 2011 Dec 28;12(12):236). Though this exact alteration has not been reported in the literature, two other Alu element insertions have been reported in coding exon 5 of the PALB2 gene in individuals diagnosed with or at risk for hereditary breast cancer (Qian Y et al. Cancer Genet. 2017 Oct;216-217:159-169). Based on the majority of available evidence to date, this variant is likely to be pathogenic.